The following is an entry in ClinVar:

NM_001023.4(RPS20):c.21A>G (p.Gly7=)

Gene: RPS20 (ribosomal protein S20; minus strand). Cytogenetic location: 8q12.1.
Variant type: single nucleotide variant.
Coding change: c.21A>G on transcript NM_001023.4 (MANE Select); coding-DNA position 21, A replaced by G.
Protein change: p.Gly7=; no amino-acid change (glycine 7 retained).
Molecular consequence: synonymous variant.
Genome position (GRCh38, 1-based): chr8:56,074,142, T>C on the plus strand (A>G on the coding strand, the complement: RPS20 is on the minus strand). VCF-style: chr8-56074142-T-C. GRCh37 (hg19) VCF-style: chr8-56986701-T-C.
Other names: c.21A>G, p.Gly7= (NM_001146227.3).
Identifiers: ClinVar variation 1121729 (VCV001121729.24), dbSNP rs774426726, ClinGen allele CA4754470.

ClinVar aggregate classification (germline): Likely benign. Review status: criteria provided, multiple submitters, no conflicts (2 of 4 stars). 3 submissions from 3 submitters: Likely benign (3). Last evaluated 2025-01-01.

Allele frequency attached by ClinVar (database versions not stated): gnomAD exomes below 0.00001; ExAC 0.00001.
gnomAD v4.1: 2 of 1,612,946 alleles (0.00012%); highest among the groups gnomAD compares: African/African-American, 0.0013%; no homozygotes.

Submissions (3):

CeGaT Center for Human Genetics Tuebingen
Classification: Likely benign. Last evaluated: 2025-01-01. Review status: criteria provided, single submitter. Criteria: CeGaT Center For Human Genetics Tuebingen Variant Classification Criteria Version 2. Collection method: clinical testing. Allele origin: germline. Affected: yes. Observed: 1 variant allele.
Comment: RPS20: BP4, BP7

Labcorp Genetics (formerly Invitae), Labcorp
Classification: Likely benign. Last evaluated: 2023-11-02. Review status: criteria provided, single submitter. Criteria: Invitae Variant Classification Sherloc (09022015). Collection method: clinical testing. Allele origin: germline.

Ambry Genetics
Classification: Likely benign. Last evaluated: 2022-09-23. Review status: criteria provided, single submitter. Criteria: Ambry Variant Classification Scheme 2023. Collection method: clinical testing. Allele origin: germline.